The following is an entry in ClinVar:

ClinVar aggregate classification (germline): Uncertain significance (1 of 4 stars; one submission).

Conditions:
Charcot-Marie-Tooth disease type 2A1. Also called: CHARCOT-MARIE-TOOTH DISEASE, AXONAL, TYPE 2A1; CHARCOT-MARIE-TOOTH DISEASE, AXONAL, AUTOSOMAL DOMINANT, TYPE 2A1; CHARCOT-MARIE-TOOTH DISEASE, NEURONAL, TYPE 2A1; CHARCOT-MARIE-TOOTH NEUROPATHY, TYPE 2A1; HEREDITARY MOTOR AND SENSORY NEUROPATHY IIA1. Identifiers: Orphanet 99946, MedGen C1861678, MONDO:0007308, OMIM 118210.

Submission:

Center for Human Genetics and Genomic Medicine, Uniklinik Rwth Aachen
Classification: Uncertain significance for Charcot-Marie-Tooth disease type 2A1. Last evaluated: 2022-01-13. Review status: criteria provided, single submitter. Criteria: ACMG Guidelines, 2015. Collection method: clinical testing. Allele origin: unknown. Affected: yes.
Comment: The variant has not been reported in dbSNP151, gnomAD, or ClinVar. It is located deeply intronic based on the longest transcript of the KIF1B gene, but is located within the coding region of two shorter transcripts. Bioinformatic in silico analyses (Alamut v.2.15.0, PolyPhen-2) evaluate it inconsistently in terms of pathogenicity. Therefore, this variant has been classified as "variant of uncertain significance".

NM_001365951.3(KIF1B):c.2115+6281A>G

Gene: KIF1B (kinesin family member 1B; plus strand). Cytogenetic location: 1p36.22.
Variant type: single nucleotide variant.
Coding change: c.2115+6281A>G on transcript NM_001365951.3 (MANE Select); 6281 bases into the intron after coding-DNA position 2115, A replaced by G.
Molecular consequence: intron variant. On other transcripts: missense variant (2).
Genome position (GRCh38, 1-based): chr1:10,303,527, A>G. VCF-style: chr1-10303527-A-G. GRCh37 (hg19) VCF-style: chr1-10363585-A-G.
Other names: c.2342A>G, p.Glu781Gly (NM_001365953.1, NM_183416.4); c.1977+6281A>G (NM_015074.3); c.2115+6281A>G (NM_001365952.1); short protein forms E781G.
Identifiers: ClinVar variation 1342025 (VCV001342025.2), dbSNP rs2102270489, ClinGen allele CA338322682.